The following is an entry in ClinVar:

ClinVar aggregate classification (germline): Uncertain significance (1 of 4 stars; one submission).

Allele frequency attached by ClinVar (database versions not stated): TOPMed 0.00001; ExAC 0.00002; gnomAD 0.00002.
gnomAD v4.1: 13 of 1,592,146 alleles (0.00082%); highest among the groups gnomAD compares: East Asian, 0.011%; no homozygotes.

Submission:

Labcorp Genetics (formerly Invitae), Labcorp
Classification: Uncertain significance. Last evaluated: 2025-12-11. Review status: criteria provided, single submitter. Criteria: Invitae Variant Classification Sherloc (09022015). Collection method: clinical testing. Allele origin: germline.
Comment: This sequence change replaces glycine, which is neutral and non-polar, with arginine, which is basic and polar, at codon 20 of the COMP protein (p.Gly20Arg). The frequency data for this variant in the population databases is considered unreliable, as metrics indicate poor data quality at this position in the gnomAD database. This variant has not been reported in the literature in individuals affected with COMP-related conditions. ClinVar contains an entry for this variant (Variation ID: 1371396). Invitae Evidence Modeling of protein sequence and biophysical properties (such as structural, functional, and spatial information, amino acid conservation, physicochemical variation, residue mobility, and thermodynamic stability) has been performed for this missense variant. However, the output from this modeling did not meet the statistical confidence thresholds required to predict the impact of this variant on COMP protein function. In summary, the available evidence is currently insufficient to determine the role of this variant in disease. Therefore, it has been classified as a Variant of Uncertain Significance.

NM_000095.3(COMP):c.58G>A (p.Gly20Arg)

Gene: COMP (cartilage oligomeric matrix protein; minus strand). Cytogenetic location: 19p13.11.
Variant type: single nucleotide variant.
Coding change: c.58G>A on transcript NM_000095.3 (MANE Select); coding-DNA position 58, G replaced by A.
Protein change: p.Gly20Arg; replaces glycine 20 with arginine.
Molecular consequence: missense variant.
Genome position (GRCh38, 1-based): chr19:18,791,212, C>T on the plus strand (G>A on the coding strand, the complement: COMP is on the minus strand). VCF-style: chr19-18791212-C-T. GRCh37 (hg19) VCF-style: chr19-18902021-C-T.
Other names: short protein forms G20R.
Identifiers: ClinVar variation 1371396 (VCV001371396.8), dbSNP rs765574677, ClinGen allele CA9316853.
Genomic context (GRCh38, chr19:18,791,212, plus strand): 5'-TGGGGCCGTGGGCACGGCGCGGGTGCTAACGCGGCTTACCCAACGGGCTCTGGCCCTGTC[C>T]GGACGCGCCGAGGGCAGCCAGGGTGAGCAGAAGAACGCAGGCGGTGTCGGGGACCATGGC-3'
Protein context (NP_000086.2, residues 10-30): LLTLAALGAS[Gly20Arg]QGQSPLGSDL